The following is an entry in ClinVar:

ClinVar aggregate classification (germline): Likely benign (1 of 4 stars; one submission).

Conditions:
COG6-related disorder.

gnomAD v4.1: 5 of 1,613,014 alleles (0.00031%); highest among the groups gnomAD compares: Admixed American, 0.0017%; no homozygotes.

Submission:

PreventionGenetics, part of Exact Sciences
Classification: Likely benign for COG6-related condition. Last evaluated: 2026-05-14. Review status: criteria provided, single submitter. Criteria: ACMG Guidelines, 2015. Collection method: clinical testing. Allele origin: germline.
Comment: This variant is classified as likely benign based on ACMG/AMP sequence variant interpretation guidelines (Richards et al. 2015 PMID: 25741868, with internal and published modifications).

NM_020751.3(COG6):c.1833G>A (p.Gln611=)

Gene: COG6 (component of oligomeric golgi complex 6; plus strand). Cytogenetic location: 13q14.11.
Variant type: single nucleotide variant.
Coding change: c.1833G>A on transcript NM_020751.3 (MANE Select); coding-DNA position 1833, G replaced by A.
Protein change: p.Gln611=; no amino-acid change (glutamine 611 retained).
Molecular consequence: synonymous variant. On other transcripts: non-coding transcript variant (1), intron variant (1).
Genome position (GRCh38, 1-based): chr13:39,750,952, G>A. VCF-style: chr13-39750952-G-A. GRCh37 (hg19) VCF-style: chr13-40325089-G-A.
Other names: c.1826+23404G>A (NM_001145079.2).
Identifiers: ClinVar variation 4980837 (VCV004980837.1).